The following is an entry in ClinVar:

ClinVar aggregate classification (germline): Conflicting classifications of pathogenicity. Review status: criteria provided, conflicting classifications (1 of 4 stars). 5 submissions from 5 submitters: Uncertain significance (3); Likely benign (2). Last evaluated 2026-01-13.

Conditions:
PDE6A-related disorder. Also called: PDE6A-related condition.
Inborn genetic diseases. Identifiers: MedGen C0950123, MeSH D030342.
Retinitis pigmentosa (RP). Identifiers: Orphanet 791, MedGen C0035334, MeSH D012174, MONDO:0019200, OMIM 268000. Inheritance: Autosomal dominant, autosomal recessive and X linked inheritance.

Allele frequency attached by ClinVar (database versions not stated): gnomAD exomes 0.00007 and 0.00016; ExAC 0.00020; 1000 Genomes Project 0.00040; 1000 Genomes Project 30x 0.00047; TOPMed 0.00096; ESP Exome Variant Server 0.00069; gnomAD 0.00072 and 0.00081.
gnomAD v4.1: 219 of 1,614,078 alleles (0.014%); highest among the groups gnomAD compares: African/African-American, 0.24%; 2 homozygotes.

Submissions (5):

Labcorp Genetics (formerly Invitae), Labcorp
Classification: Likely benign. Last evaluated: 2026-01-13. Review status: criteria provided, single submitter. Criteria: Invitae Variant Classification Sherloc (09022015). Collection method: clinical testing. Allele origin: germline.

Ambry Genetics
Classification: Uncertain significance for Inborn genetic diseases. Last evaluated: 2025-05-23. Review status: criteria provided, single submitter. Criteria: Ambry Variant Classification Scheme 2023. Collection method: clinical testing. Allele origin: germline.

PreventionGenetics, part of Exact Sciences
Classification: Likely benign for PDE6A-related condition. Last evaluated: 2024-12-02. Review status: criteria provided, single submitter. Criteria: ACMG Guidelines, 2015. Collection method: clinical testing. Allele origin: germline.
Comment: This variant is classified as likely benign based on ACMG/AMP sequence variant interpretation guidelines (Richards et al. 2015 PMID: 25741868, with internal and published modifications).

Blueprint Genetics
Classification: Uncertain significance. Last evaluated: 2024-07-11. Review status: criteria provided, single submitter. Criteria: ACMG Guidelines, 2015. Collection method: clinical testing. Allele origin: germline.

Illumina Laboratory Services, Illumina
Classification: Uncertain significance for Retinitis pigmentosa. Last evaluated: 2018-01-13. Review status: criteria provided, single submitter. Criteria: ICSL Variant Classification Criteria 13 December 2019. Collection method: clinical testing. Allele origin: germline.

NM_000440.3(PDE6A):c.343G>A (p.Val115Ile)

Gene: PDE6A (phosphodiesterase 6A; minus strand). Cytogenetic location: 5q32.
Variant type: single nucleotide variant.
Coding change: c.343G>A on transcript NM_000440.3 (MANE Select); coding-DNA position 343, G replaced by A.
Protein change: p.Val115Ile; replaces valine 115 with isoleucine.
Molecular consequence: missense variant.
Genome position (GRCh38, 1-based): chr5:149,944,331, C>T on the plus strand (G>A on the coding strand, the complement: PDE6A is on the minus strand). VCF-style: chr5-149944331-C-T. GRCh37 (hg19) VCF-style: chr5-149323894-C-T.
Other names: short protein forms V115I.
Identifiers: ClinVar variation 352003 (VCV000352003.16), dbSNP rs147159579, ClinGen allele CA3505072.